The following is an entry in ClinVar:

NM_001166108.2(PALLD):c.2819A>G (p.Gln940Arg)

Genes: CBR4 (carbonyl reductase 4; minus strand), PALLD (palladin, cytoskeletal associated protein; plus strand). Cytogenetic location: 4q32.3.
Variant type: single nucleotide variant.
Coding change: c.2819A>G on transcript NM_001166108.2 (MANE Select); coding-DNA position 2819, A replaced by G.
Protein change: p.Gln940Arg; replaces glutamine 940 with arginine.
Molecular consequence: missense variant.
Genome position (GRCh38, 1-based): chr4:168,915,996, A>G. VCF-style: chr4-168915996-A-G. GRCh37 (hg19) VCF-style: chr4-169837147-A-G.
Other names: c.1622A>G, p.Gln541Arg (NM_001166109.2); c.1307A>G, p.Gln436Arg (NM_001166110.2); c.647A>G, p.Gln216Arg (NM_001367567.1, NM_001367569.1); c.698A>G, p.Gln233Arg (NM_001367568.1, NM_001367570.1); c.2768A>G, p.Gln923Arg (NM_016081.4); c.1307A>G (NM_001166110.1); short protein forms Q216R, Q233R, Q541R, Q940R, Q436R, Q923R.
Identifiers: ClinVar variation 3656634 (VCV003656634.3).
Genomic context (GRCh38, chr4:168,915,996, plus strand): 5'-CAATTCAGGAGCGATTCTTCAGACCTCACTTCTTGCAGGCTCCTGGAGATCTGACTGTTC[A>G]AGAAGGAAAACTCTGCAGAATGGACTGCAAAGTAAGATTTTGTTATTGCTTGCATATCCT-3'
Protein context (NP_001159580.1, residues 930-950): FLQAPGDLTV[Gln940Arg]EGKLCRMDCK

ClinVar aggregate classification (germline): Uncertain significance. Review status: criteria provided, multiple submitters, no conflicts (2 of 4 stars). 2 submissions from 2 submitters: Uncertain significance (2). Last evaluated 2025-02-28.

Conditions:
Pancreatic adenocarcinoma. Identifiers: MedGen C0281361, MONDO:0006047, HP:0006725.

gnomAD v4.1: 6 of 1,614,010 alleles (0.00037%); highest among the groups gnomAD compares: East Asian, 0.0045%; no homozygotes.

Submissions (2):

Ambry Genetics
Classification: Uncertain significance. Last evaluated: 2025-02-28. Review status: criteria provided, single submitter. Criteria: Ambry Variant Classification Scheme 2023. Collection method: clinical testing. Allele origin: germline.
Comment: The p.Q436R variant (also known as c.1307A>G), located in coding exon 7 of the PALLD gene, results from an A to G substitution at nucleotide position 1307. The glutamine at codon 436 is replaced by arginine, an amino acid with highly similar properties. This amino acid position is conserved. In addition, the in silico prediction for this alteration is inconclusive. Based on the available evidence, the clinical significance of this variant remains unclear.

Labcorp Genetics (formerly Invitae), Labcorp
Classification: Uncertain significance for Pancreatic adenocarcinoma. Last evaluated: 2024-12-28. Review status: criteria provided, single submitter. Criteria: Invitae Variant Classification Sherloc (09022015). Collection method: clinical testing. Allele origin: germline.
Comment: This sequence change replaces glutamine, which is neutral and polar, with arginine, which is basic and polar, at codon 436 of the PALLD protein (p.Gln436Arg). This variant is not present in population databases (gnomAD no frequency). This variant has not been reported in the literature in individuals affected with PALLD-related conditions. An algorithm developed to predict the effect of missense changes on protein structure and function (PolyPhen-2) suggests that this variant is likely to be disruptive. In summary, the available evidence is currently insufficient to determine the role of this variant in disease. Therefore, it has been classified as a Variant of Uncertain Significance.